The following is an entry in ClinVar:

ClinVar aggregate classification (germline): Likely benign. Review status: criteria provided, single submitter (1 of 4 stars). 2 submissions from 2 submitters: Likely benign (1). 1 of the submissions does not count toward it. Last evaluated 2023-11-19.

Conditions:
BBS10-related disorder. Also called: BBS10-related condition.
Bardet-Biedl syndrome (BBS). Identifiers: Orphanet 110, MedGen C0752166, MONDO:0015229.

Allele frequency attached by ClinVar (database versions not stated): gnomAD 0.00001; gnomAD exomes 0.00001; TOPMed 0.00001; ExAC 0.00002; ESP Exome Variant Server 0.00008.
gnomAD v4.1: 7 of 1,613,914 alleles (0.00043%); highest among the groups gnomAD compares: Non-Finnish European, 0.00059%; no homozygotes.

Submissions (2):

Labcorp Genetics (formerly Invitae), Labcorp
Classification: Likely benign for Bardet-Biedl syndrome. Last evaluated: 2023-11-19. Review status: criteria provided, single submitter. Criteria: Invitae Variant Classification Sherloc (09022015). Collection method: clinical testing. Allele origin: germline.

PreventionGenetics, part of Exact Sciences
Classification: Likely benign for BBS10-related condition. Last evaluated: 2022-07-21. Review status: no assertion criteria provided. Collection method: clinical testing. Allele origin: germline. Not counted in ClinVar's aggregate classification.
Comment: This variant is classified as likely benign based on ACMG/AMP sequence variant interpretation guidelines (Richards et al. 2015 PMID: 25741868, with internal and published modifications).

NM_024685.4(BBS10):c.1978A>C (p.Arg660=)

Gene: BBS10 (Bardet-Biedl syndrome 10; minus strand). Cytogenetic location: 12q21.2.
Variant type: single nucleotide variant.
Coding change: c.1978A>C on transcript NM_024685.4 (MANE Select); coding-DNA position 1978, A replaced by C.
Protein change: p.Arg660=; no amino-acid change (arginine 660 retained).
Molecular consequence: synonymous variant.
Genome position (GRCh38, 1-based): chr12:76,346,007, T>G on the plus strand (A>C on the coding strand, the complement: BBS10 is on the minus strand). VCF-style: chr12-76346007-T-G. GRCh37 (hg19) VCF-style: chr12-76739787-T-G.
Other names: c.1978A>C (NM_024685.3).
Identifiers: ClinVar variation 1588248 (VCV001588248.9), dbSNP rs145838463, ClinGen allele CA6694064.
Genomic context (GRCh38, chr12:76,346,007, plus strand): 5'-ATTCCAAACCTGTCTGACTGCTTACCAAGGGTTGATTGGTTTGCAGTGCATGGACAGCTC[T>G]TATATATGTATGTGGAAAGCTGTACTTTCCTGTTTTAGATTTATAAAGGACTTTGGGAAT-3'
Protein context (NP_078961.3, residues 650-670): GKYSFPHTYI[Arg660=]AVHALQTNQP